The following is an entry in ClinVar:

NM_000152.5(GAA):c.1873G>T (p.Ala625Ser)

Gene: GAA (alpha glucosidase; plus strand). Cytogenetic location: 17q25.3.
Variant type: single nucleotide variant.
Coding change: c.1873G>T on transcript NM_000152.5 (MANE Select); coding-DNA position 1873, G replaced by T.
Protein change: p.Ala625Ser; replaces alanine 625 with serine.
Molecular consequence: missense variant.
Genome position (GRCh38, 1-based): chr17:80,112,696, G>T. VCF-style: chr17-80112696-G-T. GRCh37 (hg19) VCF-style: chr17-78086495-G-T.
Other names: c.1873G>T, p.Ala625Ser (NM_001079803.3, NM_001079804.3); short protein forms A625S.
Identifiers: ClinVar variation 842390 (VCV000842390.8), dbSNP rs757445420, ClinGen allele CA401369732.

ClinVar aggregate classification (germline): Uncertain significance (1 of 4 stars; one submission).

Conditions:
Glycogen storage disease, type II (IOPD). Also called: Glucosidase acid-1,4-alpha deficiency; Pompe Disease; POMPE DISEASE, INFANTILE-ONSET; GLYCOGEN STORAGE DISEASE II, INFANTILE-ONSET; ACID ALPHA-GLUCOSIDASE DEFICIENCY, INFANTILE-ONSET; GAA DEFICIENCY, INFANTILE-ONSET. Identifiers: Orphanet 365, MedGen C0017921, MONDO:0009290, OMIM 232300.

Submission:

Labcorp Genetics (formerly Invitae), Labcorp
Classification: Uncertain significance for Glycogen storage disease, type II. Last evaluated: 2025-03-05. Review status: criteria provided, single submitter. Criteria: Invitae Variant Classification Sherloc (09022015). Collection method: clinical testing. Allele origin: germline.
Comment: This sequence change replaces alanine, which is neutral and non-polar, with serine, which is neutral and polar, at codon 625 of the GAA protein (p.Ala625Ser). This variant is not present in population databases (gnomAD no frequency). This variant has not been reported in the literature in individuals affected with GAA-related conditions. ClinVar contains an entry for this variant (Variation ID: 842390). Invitae Evidence Modeling of protein sequence and biophysical properties (such as structural, functional, and spatial information, amino acid conservation, physicochemical variation, residue mobility, and thermodynamic stability) indicates that this missense variant is not expected to disrupt GAA protein function with a negative predictive value of 95%. In summary, the available evidence is currently insufficient to determine the role of this variant in disease. Therefore, it has been classified as a Variant of Uncertain Significance.